The following is an entry in ClinVar:

ClinVar aggregate classification (germline): Benign/Likely benign. Review status: criteria provided, multiple submitters, no conflicts (2 of 4 stars). 4 submissions from 4 submitters: Benign (1); Likely benign (3). Last evaluated 2026-02-24.

Conditions:
ZNF469-related disorder. Also called: ZNF469-related condition.
Cardiovascular phenotype. Identifiers: MedGen CN230736.

Allele frequency attached by ClinVar (database versions not stated): gnomAD 0.00011 and 0.00023; TOPMed 0.00012; gnomAD exomes 0.00021 and 0.00052; 1000 Genomes Project 30x 0.00062; 1000 Genomes Project 0.00080; ExAC 0.00126.
gnomAD v4.1: 324 of 1,546,880 alleles (0.021%); highest among the groups gnomAD compares: South Asian, 0.3%; 5 homozygotes.

Submissions (4):

Women's Health and Genetics/Laboratory Corporation of America, LabCorp
Classification: Likely benign. Last evaluated: 2026-02-24. Review status: criteria provided, single submitter. Criteria: LabCorp Variant Classification Summary - May 2015. Collection method: clinical testing. Allele origin: germline.

Labcorp Genetics (formerly Invitae), Labcorp
Classification: Benign. Last evaluated: 2026-01-28. Review status: criteria provided, single submitter. Criteria: Invitae Variant Classification Sherloc (09022015). Collection method: clinical testing. Allele origin: germline.

PreventionGenetics, part of Exact Sciences
Classification: Likely benign for ZNF469-related condition. Last evaluated: 2025-06-19. Review status: criteria provided, single submitter. Criteria: ACMG Guidelines, 2015. Collection method: clinical testing. Allele origin: germline.
Comment: This variant is classified as likely benign based on ACMG/AMP sequence variant interpretation guidelines (Richards et al. 2015 PMID: 25741868, with internal and published modifications).

Ambry Genetics
Classification: Likely benign for Cardiovascular phenotype. Last evaluated: 2019-12-08. Review status: criteria provided, single submitter. Criteria: Ambry Variant Classification Scheme 2023. Collection method: clinical testing. Allele origin: germline.

NM_001367624.2(ZNF469):c.10740C>T (p.Asn3580=)

Gene: ZNF469 (zinc finger protein 469; plus strand). Cytogenetic location: 16q24.2.
Variant type: single nucleotide variant.
Coding change: c.10740C>T on transcript NM_001367624.2 (MANE Select); coding-DNA position 10740, C replaced by T.
Protein change: p.Asn3580=; no amino-acid change (asparagine 3580 retained).
Molecular consequence: synonymous variant.
Genome position (GRCh38, 1-based): chr16:88,438,210, C>T. VCF-style: chr16-88438210-C-T. GRCh37 (hg19) VCF-style: chr16-88504618-C-T.
Other names: NM_001127464.2:c.10656C>T.
Identifiers: ClinVar variation 321019 (VCV000321019.12), dbSNP rs527707590, ClinGen allele CA8225547.